The following is an entry in ClinVar:

NM_006767.4(LZTR1):c.1049T>A (p.Leu350Gln)

Gene: LZTR1 (leucine zipper like post translational regulator 1; plus strand). Cytogenetic location: 22q11.21.
Variant type: single nucleotide variant.
Coding change: c.1049T>A on transcript NM_006767.4 (MANE Select); coding-DNA position 1049, T replaced by A.
Protein change: p.Leu350Gln; replaces leucine 350 with glutamine.
Molecular consequence: missense variant.
Genome position (GRCh38, 1-based): chr22:20,992,269, T>A. VCF-style: chr22-20992269-T-A. GRCh37 (hg19) VCF-style: chr22-21346558-T-A.
Other names: short protein forms L350Q.
Identifiers: ClinVar variation 3238007 (VCV003238007.1), dbSNP rs2518618008.

ClinVar aggregate classification (germline): Uncertain significance (1 of 4 stars; one submission).

Conditions:
Hereditary cancer-predisposing syndrome. Also called: Neoplastic Syndromes, Hereditary; Tumor predisposition; Hereditary neoplastic syndrome; Hereditary Cancer Syndrome. Identifiers: Orphanet 140162, MedGen C0027672, MeSH D009386, MONDO:0015356.
Cardiovascular phenotype. Identifiers: MedGen CN230736.

Submission:

Ambry Genetics
Classification: Uncertain significance for Cardiovascular phenotype; Hereditary cancer-predisposing syndrome. Last evaluated: 2023-12-18. Review status: criteria provided, single submitter. Criteria: Ambry Variant Classification Scheme 2023. Collection method: clinical testing. Allele origin: germline.
Comment: The p.L350Q variant (also known as c.1049T>A), located in coding exon 10 of the LZTR1 gene, results from a T to A substitution at nucleotide position 1049. The leucine at codon 350 is replaced by glutamine, an amino acid with dissimilar properties. This amino acid position is conserved. In addition, the in silico prediction for this alteration is inconclusive. Since supporting evidence is limited at this time, the clinical significance of this alteration remains unclear.